The following is an entry in ClinVar:

ClinVar aggregate classification (germline): Uncertain significance. Review status: criteria provided, multiple submitters, no conflicts (2 of 4 stars). 2 submissions from 2 submitters: Uncertain significance (2). Last evaluated 2022-08-17.

Conditions:
Inborn genetic diseases. Identifiers: MedGen C0950123, MeSH D030342.

Allele frequency attached by ClinVar (database versions not stated): gnomAD 0.00001; TOPMed 0.00002.
gnomAD v4.1: 26 of 1,508,322 alleles (0.0017%); highest among the groups gnomAD compares: Admixed American, 0.044%; no homozygotes.

Submissions (2):

Labcorp Genetics (formerly Invitae), Labcorp
Classification: Uncertain significance. Last evaluated: 2022-08-17. Review status: criteria provided, single submitter. Criteria: Invitae Variant Classification Sherloc (09022015). Collection method: clinical testing. Allele origin: germline.
Comment: This sequence change replaces glycine, which is neutral and non-polar, with arginine, which is basic and polar, at codon 160 of the ATP8A2 protein (p.Gly160Arg). This variant is present in population databases (rs779268827, gnomAD 0.07%). This variant has not been reported in the literature in individuals affected with ATP8A2-related conditions. Algorithms developed to predict the effect of missense changes on protein structure and function (SIFT, PolyPhen-2, Align-GVGD) all suggest that this variant is likely to be disruptive. In summary, the available evidence is currently insufficient to determine the role of this variant in disease. Therefore, it has been classified as a Variant of Uncertain Significance.

Ambry Genetics
Classification: Uncertain significance for Inborn genetic diseases. Last evaluated: 2021-10-26. Review status: criteria provided, single submitter. Criteria: Ambry Variant Classification Scheme 2023. Collection method: clinical testing. Allele origin: germline.

NM_016529.6(ATP8A2):c.478G>C (p.Gly160Arg)

Gene: ATP8A2 (ATPase phospholipid transporting 8A2). Cytogenetic location: 13q12.13.
Variant type: single nucleotide variant.
Coding change: c.478G>C on transcript NM_016529.6 (MANE Select); coding-DNA position 478, G replaced by C.
Protein change: p.Gly160Arg; replaces glycine 160 with arginine.
Molecular consequence: missense variant.
Genome position (GRCh38, 1-based): chr13:25,533,284, G>C. VCF-style: chr13-25533284-G-C. GRCh37 (hg19) VCF-style: chr13-26107422-G-C.
Other names: c.358G>C, p.Gly120Arg (NM_001313741.1); c.478G>C, p.Gly160Arg (NM_001411005.1, NM_001411006.1); c.478G>C (NM_016529.4); short protein forms G120R, G160R.
Identifiers: ClinVar variation 2189446 (VCV002189446.2), dbSNP rs779268827, ClinGen allele CA6922574.